The following is an entry in ClinVar:

NM_005475.3(SH2B3):c.542A>G (p.Lys181Arg)

Gene: SH2B3 (SH2B adaptor protein 3; plus strand). Cytogenetic location: 12q24.12.
Variant type: single nucleotide variant.
Coding change: c.542A>G on transcript NM_005475.3 (MANE Select); coding-DNA position 542, A replaced by G.
Protein change: p.Lys181Arg; replaces lysine 181 with arginine.
Molecular consequence: missense variant.
Genome position (GRCh38, 1-based): chr12:111,418,687, A>G. VCF-style: chr12-111418687-A-G. GRCh37 (hg19) VCF-style: chr12-111856491-A-G.
Other names: short protein forms K181R.
Identifiers: ClinVar variation 3953562 (VCV003953562.1).

ClinVar aggregate classification (germline): Uncertain significance (1 of 4 stars; one submission).

Conditions:
Inborn genetic diseases. Identifiers: MedGen C0950123, MeSH D030342.

Submission:

Ambry Genetics
Classification: Uncertain significance for Inborn genetic diseases. Last evaluated: 2025-06-07. Review status: criteria provided, single submitter. Criteria: Ambry Variant Classification Scheme 2023. Collection method: clinical testing. Allele origin: germline.
Comment: The p.K181R variant (also known as c.542A>G), located in coding exon 1 of the SH2B3 gene, results from an A to G substitution at nucleotide position 542. The lysine at codon 181 is replaced by arginine, an amino acid with highly similar properties. This amino acid position is conserved. In addition, this alteration is predicted to be tolerated by in silico analysis. Based on the available evidence, the clinical significance of this variant remains unclear.